The following is an entry in ClinVar:

ClinVar aggregate classification (germline): Uncertain significance. Review status: criteria provided, multiple submitters, no conflicts (2 of 4 stars). 2 submissions from 2 submitters: Uncertain significance (2). Last evaluated 2026-03-20.

Conditions:
Mitochondrial complex II deficiency, nuclear type 1. Also called: SUCCINATE CoQ REDUCTASE DEFICIENCY. Identifiers: Orphanet 3208, MedGen C5700310, MONDO:0100294, OMIM 252011.
Pheochromocytoma/paraganglioma syndrome 5. Also called: Paragangliomas 5; SDHA-Related Hereditary Paraganglioma-Pheochromocytoma Syndrome. Identifiers: Orphanet 29072, MedGen C3279992, MONDO:0013602, OMIM 614165.
Hereditary cancer-predisposing syndrome. Also called: Tumor predisposition; Hereditary Cancer Syndrome; Hereditary neoplastic syndrome; Neoplastic Syndromes, Hereditary. Identifiers: Orphanet 140162, MedGen C0027672, MeSH D009386, MONDO:0015356.

Submissions (2):

Ambry Genetics
Classification: Uncertain significance for Hereditary cancer-predisposing syndrome. Last evaluated: 2026-03-20. Review status: criteria provided, single submitter. Criteria: Ambry Variant Classification Scheme 2023. Collection method: clinical testing. Allele origin: germline.
Comment: The p.A148S variant (also known as c.442G>T), located in coding exon 4 of the SDHA gene, results from a G to T substitution at nucleotide position 442. The alanine at codon 148 is replaced by serine, an amino acid with similar properties. This amino acid position is well conserved in available vertebrate species. In addition, this alteration is predicted to be tolerated by in silico analysis. Based on the available evidence, the clinical significance of this variant remains unclear.

Labcorp Genetics (formerly Invitae), Labcorp
Classification: Uncertain significance for Pheochromocytoma/paraganglioma syndrome 5; Mitochondrial complex II deficiency, nuclear type 1. Last evaluated: 2022-11-15. Review status: criteria provided, single submitter. Criteria: Invitae Variant Classification Sherloc (09022015). Collection method: clinical testing. Allele origin: germline.
Comment: This sequence change replaces alanine, which is neutral and non-polar, with serine, which is neutral and polar, at codon 148 of the SDHA protein (p.Ala148Ser). This variant is not present in population databases (gnomAD no frequency). This variant has not been reported in the literature in individuals affected with SDHA-related conditions. ClinVar contains an entry for this variant (Variation ID: 1381658). Advanced modeling of protein sequence and biophysical properties (such as structural, functional, and spatial information, amino acid conservation, physicochemical variation, residue mobility, and thermodynamic stability) performed at Invitae indicates that this missense variant is not expected to disrupt SDHA protein function. In summary, the available evidence is currently insufficient to determine the role of this variant in disease. Therefore, it has been classified as a Variant of Uncertain Significance.

NM_004168.4(SDHA):c.442G>T (p.Ala148Ser)

Gene: SDHA (succinate dehydrogenase complex flavoprotein subunit A; plus strand). Cytogenetic location: 5p15.33.
Variant type: single nucleotide variant.
Coding change: c.442G>T on transcript NM_004168.4 (MANE Select); coding-DNA position 442, G replaced by T.
Protein change: p.Ala148Ser; replaces alanine 148 with serine.
Molecular consequence: missense variant. On other transcripts: intron variant (1).
Genome position (GRCh38, 1-based): chr5:225,548, G>T. VCF-style: chr5-225548-G-T. GRCh37 (hg19) VCF-style: chr5-225663-G-T.
Other names: c.442G>T (NM_004168.2); c.442G>T, p.Ala148Ser (NM_001330758.2); c.313-335G>T (NM_001294332.2); short protein forms A148S.
Identifiers: ClinVar variation 1381658 (VCV001381658.9), dbSNP rs375576259, ClinGen allele CA359009672.
Genomic context (GRCh38, chr5:225,548, plus strand): 5'-AAGGGCTCCGACTGGCTGGGGGACCAGGATGCCATCCACTACATGACGGAGCAGGCCCCC[G>T]CCGCCGTGGTCGAGGTGATGGGCGGGAGGCTCTGGGTGTTCTCGTGGTCTGTTTCTAGTA-3'
Protein context (NP_004159.2, residues 138-158): AIHYMTEQAP[Ala148Ser]AVVELENYGM